The following is an entry in ClinVar:

NM_001037131.3(AGAP1):c.1715C>T (p.Thr572Met)

Gene: AGAP1 (ArfGAP with GTPase domain, ankyrin repeat and PH domain 1; plus strand). Cytogenetic location: 2q37.2.
Variant type: single nucleotide variant.
Coding change: c.1715C>T on transcript NM_001037131.3 (MANE Select); coding-DNA position 1715, C replaced by T.
Protein change: p.Thr572Met; replaces threonine 572 with methionine.
Molecular consequence: missense variant.
Genome position (GRCh38, 1-based): chr2:236,036,630, C>T. VCF-style: chr2-236036630-C-T. GRCh37 (hg19) VCF-style: chr2-236945274-C-T.
Other names: c.1556C>T, p.Thr519Met (NM_014914.5); c.1715C>T (NM_001037131.2); short protein forms T572M, T519M.
Identifiers: ClinVar variation 2188821 (VCV002188821.5), dbSNP rs376533017, ClinGen allele CA2184991.

ClinVar aggregate classification (germline): Uncertain significance. Review status: criteria provided, multiple submitters, no conflicts (2 of 4 stars). 2 submissions from 2 submitters: Uncertain significance (2). Last evaluated 2024-11-05.

Allele frequency attached by ClinVar (database versions not stated): gnomAD exomes 0.00004; gnomAD 0.00005; TOPMed 0.00005; ExAC 0.00007; ESP Exome Variant Server 0.00008.
gnomAD v4.1: 74 of 1,614,206 alleles (0.0046%); highest among the groups gnomAD compares: Middle Eastern, 0.016%; no homozygotes.

Submissions (2):

Labcorp Genetics (formerly Invitae), Labcorp
Classification: Uncertain significance. Last evaluated: 2024-11-05. Review status: criteria provided, single submitter. Criteria: Invitae Variant Classification Sherloc (09022015). Collection method: clinical testing. Allele origin: germline.
Comment: This sequence change replaces threonine, which is neutral and polar, with methionine, which is neutral and non-polar, at codon 519 of the AGAP1 protein (p.Thr519Met). This variant is present in population databases (rs376533017, gnomAD 0.009%). This variant has not been reported in the literature in individuals affected with AGAP1-related conditions. ClinVar contains an entry for this variant (Variation ID: 2188821). An algorithm developed to predict the effect of missense changes on protein structure and function (PolyPhen-2) suggests that this variant is likely to be tolerated. In summary, the available evidence is currently insufficient to determine the role of this variant in disease. Therefore, it has been classified as a Variant of Uncertain Significance.

Ambry Genetics
Classification: Uncertain significance. Last evaluated: 2024-04-06. Review status: criteria provided, single submitter. Criteria: Ambry Variant Classification Scheme 2023. Collection method: clinical testing. Allele origin: germline.